The following is an entry in ClinVar:

NM_032608.7(MYO18B):c.3289G>T (p.Asp1097Tyr)

Gene: MYO18B (myosin XVIIIB; plus strand). Cytogenetic location: 22q12.1.
Variant type: single nucleotide variant.
Coding change: c.3289G>T on transcript NM_032608.7 (MANE Select); coding-DNA position 3289, G replaced by T.
Protein change: p.Asp1097Tyr; replaces aspartic acid 1097 with tyrosine.
Molecular consequence: missense variant.
Genome position (GRCh38, 1-based): chr22:25,843,815, G>T. VCF-style: chr22-25843815-G-T. GRCh37 (hg19) VCF-style: chr22-26239782-G-T.
Other names: c.3292G>T, p.Asp1098Tyr (NM_001318245.2); short protein forms D1097Y, D1098Y.
Identifiers: ClinVar variation 1905802 (VCV001905802.3), dbSNP rs753957467, ClinGen allele CA10160515.

ClinVar aggregate classification (germline): Uncertain significance. Review status: criteria provided, multiple submitters, no conflicts (2 of 4 stars). 2 submissions from 2 submitters: Uncertain significance (2). Last evaluated 2024-09-06.

Allele frequency attached by ClinVar (database versions not stated): gnomAD 0.00001.
gnomAD v4.1: 14 of 1,613,690 alleles (0.00087%); highest among the groups gnomAD compares: Non-Finnish European, 0.0012%; no homozygotes.

Submissions (2):

Blueprint Genetics
Classification: Uncertain significance. Last evaluated: 2024-09-06. Review status: criteria provided, single submitter. Criteria: ACMG Guidelines, 2015. Collection method: clinical testing. Allele origin: germline.

Labcorp Genetics (formerly Invitae), Labcorp
Classification: Uncertain significance. Last evaluated: 2022-10-24. Review status: criteria provided, single submitter. Criteria: Invitae Variant Classification Sherloc (09022015). Collection method: clinical testing. Allele origin: germline.
Comment: This sequence change replaces aspartic acid, which is acidic and polar, with tyrosine, which is neutral and polar, at codon 1097 of the MYO18B protein (p.Asp1097Tyr). This variant is present in population databases (rs753957467, gnomAD 0.004%). This variant has not been reported in the literature in individuals affected with MYO18B-related conditions. Algorithms developed to predict the effect of missense changes on protein structure and function are either unavailable or do not agree on the potential impact of this missense change (SIFT: "Not Available"; PolyPhen-2: "Probably Damaging"; Align-GVGD: "Not Available"). In summary, the available evidence is currently insufficient to determine the role of this variant in disease. Therefore, it has been classified as a Variant of Uncertain Significance.